The following is an entry in ClinVar:

NM_003571.4(BFSP2):c.867G>C (p.Glu289Asp)

Genes: BFSP2 (beaded filament structural protein 2; plus strand), BFSP2-AS1 (BFSP2 antisense RNA 1; minus strand). Cytogenetic location: 3q22.1.
Variant type: single nucleotide variant.
Coding change: c.867G>C on transcript NM_003571.4 (MANE Select); coding-DNA position 867, G replaced by C.
Protein change: p.Glu289Asp; replaces glutamic acid 289 with aspartic acid.
Molecular consequence: missense variant.
Genome position (GRCh38, 1-based): chr3:133,450,440, G>C. VCF-style: chr3-133450440-G-C. GRCh37 (hg19) VCF-style: chr3-133169284-G-C.
Other names: c.867G>C (NM_003571.2); short protein forms E289D.
Identifiers: ClinVar variation 856280 (VCV000856280.11), dbSNP rs200862865, ClinGen allele CA2623386.
Genomic context (GRCh38, chr3:133,450,440, plus strand): 5'-CGACATCCTTGAGACGATCAGAATTCAGTGGGAGAGAGATGTTGAAAAGAACCGGGTGGA[G>C]GCAGGAGCCCTGCTCCAAGCTAAGGTGAGAGGCAGGACCAGCATCCTCCACTCTGCCCTA-3'
Protein context (NP_003562.1, residues 279-299): WERDVEKNRV[Glu289Asp]AGALLQAKQQ

ClinVar aggregate classification (germline): Uncertain significance. Review status: criteria provided, multiple submitters, no conflicts (2 of 4 stars). 2 submissions from 2 submitters: Uncertain significance (2). Last evaluated 2024-04-26.

Conditions:
Cataract 12 multiple types. Identifiers: Orphanet 91492, MedGen C3808115, MONDO:0012701, OMIM 611597.

Allele frequency attached by ClinVar (database versions not stated): gnomAD 0.00003 and 0.00004; TOPMed 0.00011; gnomAD exomes 0.00015; 1000 Genomes Project 30x 0.00016; ExAC 0.00016; 1000 Genomes Project 0.00020.
gnomAD v4.1: 56 of 1,614,102 alleles (0.0035%); highest among the groups gnomAD compares: Admixed American, 0.092%; 1 homozygote.

Submissions (2):

Ambry Genetics
Classification: Uncertain significance. Last evaluated: 2024-04-26. Review status: criteria provided, single submitter. Criteria: Ambry Variant Classification Scheme 2023. Collection method: clinical testing. Allele origin: germline.

Labcorp Genetics (formerly Invitae), Labcorp
Classification: Uncertain significance for Cataract 12 multiple types. Last evaluated: 2019-01-19. Review status: criteria provided, single submitter. Criteria: Invitae Variant Classification Sherloc (09022015). Collection method: clinical testing. Allele origin: germline.
Comment: This sequence change replaces glutamic acid with aspartic acid at codon 289 of the BFSP2 protein (p.Glu289Asp). The glutamic acid residue is highly conserved and there is a small physicochemical difference between glutamic acid and aspartic acid. This variant is present in population databases (rs200862865, ExAC 0.2%). In summary, the available evidence is currently insufficient to determine the role of this variant in disease. Therefore, it has been classified as a Variant of Uncertain Significance. Algorithms developed to predict the effect of missense changes on protein structure and function (SIFT, PolyPhen-2, Align-GVGD) all suggest that this variant is likely to be tolerated, but these predictions have not been confirmed by published functional studies and their clinical significance is uncertain. This variant has not been reported in the literature in individuals with BFSP2-related disease.